The following is an entry in ClinVar:

ClinVar aggregate classification (germline): Uncertain significance (1 of 4 stars; one submission).

Conditions:
Diamond-Blackfan anemia. Also called: Blackfan Diamond syndrome; Aregenerative anemia chronic congenital; Red cell aplasia, pure hereditary; Congenital hypoplastic anemia; Aase syndrome. Identifiers: Orphanet 124, MedGen C1260899, MeSH D029503, MONDO:0015253, HP:0004810.

Allele frequency attached by ClinVar (database versions not stated): gnomAD exomes 0.00001.
gnomAD v4.1: 7 of 1,610,348 alleles (0.00043%); highest among the groups gnomAD compares: South Asian, 0.0011%; no homozygotes.

Submission:

Labcorp Genetics (formerly Invitae), Labcorp
Classification: Uncertain significance for Diamond-Blackfan anemia. Last evaluated: 2024-04-15. Review status: criteria provided, single submitter. Criteria: Invitae Variant Classification Sherloc (09022015). Collection method: clinical testing. Allele origin: germline.
Comment: This sequence change replaces arginine, which is basic and polar, with tryptophan, which is neutral and slightly polar, at codon 121 of the RPL26 protein (p.Arg121Trp). This variant is present in population databases (rs763691423, gnomAD 0.003%). This variant has not been reported in the literature in individuals affected with RPL26-related conditions. ClinVar contains an entry for this variant (Variation ID: 1358979). An algorithm developed to predict the effect of missense changes on protein structure and function (PolyPhen-2) suggests that this variant is likely to be tolerated. In summary, the available evidence is currently insufficient to determine the role of this variant in disease. Therefore, it has been classified as a Variant of Uncertain Significance.

NM_000987.5(RPL26):c.361C>T (p.Arg121Trp)

Gene: RPL26 (ribosomal protein L26; minus strand). Cytogenetic location: 17p13.1.
Variant type: single nucleotide variant.
Coding change: c.361C>T on transcript NM_000987.5 (MANE Select); coding-DNA position 361, C replaced by T.
Protein change: p.Arg121Trp; replaces arginine 121 with tryptophan.
Molecular consequence: missense variant.
Genome position (GRCh38, 1-based): chr17:8,377,641, G>A on the plus strand (C>T on the coding strand, the complement: RPL26 is on the minus strand). VCF-style: chr17-8377641-G-A. GRCh37 (hg19) VCF-style: chr17-8280959-G-A.
Other names: c.361C>T, p.Arg121Trp (NM_001315530.2, NM_001315531.2); short protein forms R121W.
Identifiers: ClinVar variation 1358979 (VCV001358979.8), dbSNP rs763691423, ClinGen allele CA8376061.